The following is an entry in ClinVar:

ClinVar aggregate classification (germline): Uncertain significance (1 of 4 stars; one submission).

Conditions:
Breast-ovarian cancer, familial, susceptibility to, 5 (BROVCA5). Identifiers: MedGen C5830615, MONDO:0957530, OMIM 620442.

Submission:

Dasa
Classification: Uncertain significance for Breast-ovarian cancer, familial, susceptibility to, 5. Last evaluated: 2024-12-08. Review status: criteria provided, single submitter. Criteria: DASA Assertion Criteria. Collection method: clinical testing. Allele origin: germline.
Comment: NM_024675.4(PALB2):c.3148C>G (p.His1050Asp) is a missense variant that results in the substitution of histidine with aspartic acid. This variant is absent from population databases. The currently available literature and clinical evidence are not sufficient to establish a definitive association between this variant and the reported condition. Therefore, this variant is classified as a variant of uncertain significance.

NM_024675.4(PALB2):c.3148C>G (p.His1050Asp)

Gene: PALB2 (partner and localizer of BRCA2; minus strand). Cytogenetic location: 16p12.2.
Variant type: single nucleotide variant.
Coding change: c.3148C>G on transcript NM_024675.4 (MANE Select); coding-DNA position 3148, C replaced by G.
Protein change: p.His1050Asp; replaces histidine 1050 with aspartic acid.
Molecular consequence: missense variant. On other transcripts: intron variant (3).
Genome position (GRCh38, 1-based): chr16:23,614,057, G>C on the plus strand (C>G on the coding strand, the complement: PALB2 is on the minus strand). VCF-style: chr16-23614057-G-C. GRCh37 (hg19) VCF-style: chr16-23625378-G-C.
Other names: c.2263C>G, p.His755Asp (NM_001407306.1, NM_001407310.1, NM_001407311.1 and 2 more transcripts); c.2101C>G, p.His701Asp (NM_001407307.1); c.1360C>G, p.His454Asp (NM_001407312.1, NM_001407313.1); c.682C>G, p.His228Asp (NM_001407314.1); c.2228+7305C>G (NM_001407308.1, NM_001407309.1); c.3113+7305C>G (NM_001407299.1); c.3088C>G, p.His1030Asp (NM_001407296.1); c.3076C>G, p.His1026Asp (NM_001407297.1); and 3 more; short protein forms H1026D, H1030D, H1050D, H228D, H454D, H701D, H755D, H957D.
Identifiers: ClinVar variation 5042661 (VCV005042661.1).